The following is an entry in ClinVar:

NM_006892.4(DNMT3B):c.1478C>T (p.Thr493Met)

Gene: DNMT3B (DNA methyltransferase 3 beta; plus strand). Cytogenetic location: 20q11.21.
Variant type: single nucleotide variant.
Coding change: c.1478C>T on transcript NM_006892.4 (MANE Select); coding-DNA position 1478, C replaced by T.
Protein change: p.Thr493Met; replaces threonine 493 with methionine.
Molecular consequence: missense variant.
Genome position (GRCh38, 1-based): chr20:32,797,287, C>T. VCF-style: chr20-32797287-C-T. GRCh37 (hg19) VCF-style: chr20-31385093-C-T.
Other names: c.1292C>T, p.Thr431Met (NM_001207055.2); c.1190C>T, p.Thr397Met (NM_001207056.2); c.1418C>T, p.Thr473Met (NM_175848.2, NM_175849.2); c.1454C>T, p.Thr485Met (NM_175850.3); short protein forms T397M, T431M, T473M, T485M, T493M.
Identifiers: ClinVar variation 1051222 (VCV001051222.6), dbSNP rs755018555, ClinGen allele CA9810597.

ClinVar aggregate classification (germline): Uncertain significance (1 of 4 stars; one submission).

Conditions:
Centromeric instability of chromosomes 1,9 and 16 and immunodeficiency (ICF1). Also called: Immunodeficiency-centromeric instability-facial anomalies; IMMUNE DEFICIENCY, VARIABLE, WITH CENTROMERIC INSTABILITY OF CHROMOSOMES 1, 9, AND 16; IMMUNODEFICIENCY SYNDROME, VARIABLE; CENTROMERIC INSTABILITY, IMMUNODEFICIENCY SYNDROME. Identifiers: Orphanet 2268, MedGen C0398788, MONDO:0000133.

Allele frequency attached by ClinVar (database versions not stated): gnomAD 0.00001; TOPMed 0.00001; ExAC 0.00002.
gnomAD v4.1: 13 of 1,613,954 alleles (0.00081%); highest among the groups gnomAD compares: Admixed American, 0.005%; no homozygotes.

Submission:

Labcorp Genetics (formerly Invitae), Labcorp
Classification: Uncertain significance for Centromeric instability of chromosomes 1,9 and 16 and immunodeficiency. Last evaluated: 2021-09-08. Review status: criteria provided, single submitter. Criteria: Invitae Variant Classification Sherloc (09022015). Collection method: clinical testing. Allele origin: germline.
Comment: This sequence change replaces threonine with methionine at codon 493 of the DNMT3B protein (p.Thr493Met). The threonine residue is highly conserved and there is a moderate physicochemical difference between threonine and methionine. This variant is present in population databases (rs755018555, ExAC 0.009%). This variant has not been reported in the literature in individuals affected with DNMT3B-related conditions. Algorithms developed to predict the effect of missense changes on protein structure and function are either unavailable or do not agree on the potential impact of this missense change (SIFT: "Deleterious"; PolyPhen-2: "Possibly Damaging"; Align-GVGD: "Class C15"). In summary, the available evidence is currently insufficient to determine the role of this variant in disease. Therefore, it has been classified as a Variant of Uncertain Significance.